The following is an entry in ClinVar:

ClinVar aggregate classification (germline): Uncertain significance. Review status: criteria provided, multiple submitters, no conflicts (2 of 4 stars). 2 submissions from 2 submitters: Uncertain significance (2). Last evaluated 2025-01-01.

Allele frequency attached by ClinVar (database versions not stated): gnomAD 0.00001; TOPMed below 0.00001.
gnomAD v4.1: 5 of 1,613,388 alleles (0.00031%); highest among the groups gnomAD compares: Non-Finnish European, 0.00025%; no homozygotes.

Submissions (2):

Ambry Genetics
Classification: Uncertain significance. Last evaluated: 2025-01-01. Review status: criteria provided, single submitter. Criteria: Ambry Variant Classification Scheme 2023. Collection method: clinical testing. Allele origin: germline.

Labcorp Genetics (formerly Invitae), Labcorp
Classification: Uncertain significance. Last evaluated: 2022-08-02. Review status: criteria provided, single submitter. Criteria: Invitae Variant Classification Sherloc (09022015). Collection method: clinical testing. Allele origin: germline.
Comment: In summary, the available evidence is currently insufficient to determine the role of this variant in disease. Therefore, it has been classified as a Variant of Uncertain Significance. Algorithms developed to predict the effect of missense changes on protein structure and function (SIFT, PolyPhen-2, Align-GVGD) all suggest that this variant is likely to be disruptive. This variant has not been reported in the literature in individuals affected with HMCN1-related conditions. This variant is present in population databases (no rsID available, gnomAD no frequency). This sequence change replaces asparagine, which is neutral and polar, with histidine, which is basic and polar, at codon 5466 of the HMCN1 protein (p.Asn5466His).

NM_031935.3(HMCN1):c.16396A>C (p.Asn5466His)

Gene: HMCN1 (hemicentin 1; plus strand). Cytogenetic location: 1q31.1.
Variant type: single nucleotide variant.
Coding change: c.16396A>C on transcript NM_031935.3 (MANE Select); coding-DNA position 16396, A replaced by C.
Protein change: p.Asn5466His; replaces asparagine 5466 with histidine.
Molecular consequence: missense variant.
Genome position (GRCh38, 1-based): chr1:186,182,269, A>C. VCF-style: chr1-186182269-A-C. GRCh37 (hg19) VCF-style: chr1-186151401-A-C.
Other names: c.16396A>C (NM_031935.2); short protein forms N5466H.
Identifiers: ClinVar variation 2059770 (VCV002059770.5), dbSNP rs1030157712, ClinGen allele CA33509580.